The following is an entry in ClinVar:

ClinVar aggregate classification (germline): Uncertain significance (1 of 4 stars; one submission).

Allele frequency attached by ClinVar (database versions not stated): gnomAD exomes 0.00001; TOPMed 0.00001.
gnomAD v4.1: 14 of 1,614,212 alleles (0.00087%); highest among the groups gnomAD compares: Non-Finnish European, 0.0011%; no homozygotes.

Submission:

Ambry Genetics
Classification: Uncertain significance. Last evaluated: 2024-02-02. Review status: criteria provided, single submitter. Criteria: Ambry Variant Classification Scheme 2023. Collection method: clinical testing. Allele origin: germline.
Comment: The p.A172S variant (also known as c.514G>T), located in coding exon 1 of the PALLD gene, results from a G to T substitution at nucleotide position 514. The alanine at codon 172 is replaced by serine, an amino acid with similar properties. This amino acid position is conserved. In addition, the in silico prediction for this alteration is inconclusive. Based on the available evidence, the clinical significance of this alteration remains unclear.

NM_001166108.2(PALLD):c.514G>T (p.Ala172Ser)

Gene: PALLD (palladin, cytoskeletal associated protein; plus strand). Cytogenetic location: 4q32.3.
Variant type: single nucleotide variant.
Coding change: c.514G>T on transcript NM_001166108.2 (MANE Select); coding-DNA position 514, G replaced by T.
Protein change: p.Ala172Ser; replaces alanine 172 with serine.
Molecular consequence: missense variant.
Genome position (GRCh38, 1-based): chr4:168,512,018, G>T. VCF-style: chr4-168512018-G-T. GRCh37 (hg19) VCF-style: chr4-169433169-G-T.
Other names: c.514G>T, p.Ala172Ser (NM_016081.4); short protein forms A172S.
Identifiers: ClinVar variation 3226824 (VCV003226824.1), dbSNP rs1294701498, ClinGen allele CA358726192.